The following is an entry in ClinVar:

ClinVar aggregate classification (germline): Conflicting classifications of pathogenicity. Review status: criteria provided, conflicting classifications (1 of 4 stars). 3 submissions from 3 submitters: Likely pathogenic (1); Uncertain significance (1). 1 of the submissions does not count toward it. Last evaluated 2025-01-01.

Conditions:
Mitochondrial complex IV deficiency, nuclear type 18. Also called: Mitochondrial complex 4 deficiency, nuclear type 18. Identifiers: MedGen C5436720, MONDO:0033653, OMIM 619062.

Allele frequency attached by ClinVar (database versions not stated): TOPMed 0.00001; gnomAD 0.00002; gnomAD exomes 0.00003 and 0.00004.

Submissions (3):

CeGaT Center for Human Genetics Tuebingen
Classification: Uncertain significance. Last evaluated: 2025-01-01. Review status: criteria provided, single submitter. Criteria: CeGaT Center For Human Genetics Tuebingen Variant Classification Criteria Version 2. Collection method: clinical testing. Allele origin: germline. Affected: yes. Observed: 1 variant allele.
Comment: COX6A2: PM2

SIB Swiss Institute of Bioinformatics
Classification: Likely pathogenic for Mitochondrial complex IV deficiency, nuclear type 18. Last evaluated: 2020-12-04. Review status: criteria provided, single submitter. Criteria: ACMG Guidelines, 2015. Collection method: curation. Allele origin: unknown.
Comment: This variant is interpreted as Likely pathogenic for Mitochondrial complex IV deficiency, nuclear type 18, autosomal recessive. The following ACMG Tag(s) were applied: Absent from controls (or at extremely low frequency if recessive) in Exome Sequencing Project, 1000 Genomes Project, or Exome Aggregation Consortium (PM2); Multiple lines of computational evidence support a deleterious effect on the gene or gene product (PP3); For recessive disorders, detected in trans with a pathogenic variant (PM3); Well-established functional studies show a deleterious effect (PS3 downgraded to moderate).

OMIM
Classification: Pathogenic for MITOCHONDRIAL COMPLEX IV DEFICIENCY, NUCLEAR TYPE 18. Last evaluated: 2020-10-23. Review status: no assertion criteria provided. Collection method: literature only. Allele origin: germline. Not counted in ClinVar's aggregate classification.

Literature cited by the submitters: PubMed 31155743 (cited by SIB Swiss Institute of Bioinformatics and OMIM).

NM_005205.4(COX6A2):c.127T>C (p.Cys43Arg)

Gene: COX6A2 (cytochrome c oxidase subunit 6A2; minus strand). Cytogenetic location: 16p11.2.
Variant type: single nucleotide variant.
Coding change: c.127T>C on transcript NM_005205.4 (MANE Select); coding-DNA position 127, T replaced by C.
Protein change: p.Cys43Arg; replaces cysteine 43 with arginine.
Molecular consequence: missense variant.
Genome position (GRCh38, 1-based): chr16:31,428,098, A>G on the plus strand (T>C on the coding strand, the complement: COX6A2 is on the minus strand). VCF-style: chr16-31428098-A-G. GRCh37 (hg19) VCF-style: chr16-31439419-A-G.
Other names: short protein forms C43R.
Identifiers: ClinVar variation 638272 (VCV000638272.16), dbSNP rs1275864234, ClinGen allele CA395706934.